The following is an entry in ClinVar:

NM_001042492.3(NF1):c.5699T>C (p.Ile1900Thr)

Gene: NF1 (neurofibromin 1; plus strand). Cytogenetic location: 17q11.2.
Variant type: single nucleotide variant.
Coding change: c.5699T>C on transcript NM_001042492.3 (MANE Select); coding-DNA position 5699, T replaced by C.
Protein change: p.Ile1900Thr; replaces isoleucine 1900 with threonine.
Molecular consequence: missense variant.
Genome position (GRCh38, 1-based): chr17:31,330,385, T>C. VCF-style: chr17-31330385-T-C. GRCh37 (hg19) VCF-style: chr17-29657403-T-C.
Other names: c.5636T>C, p.Ile1879Thr (NM_000267.4); short protein forms I1879T, I1900T.
Identifiers: ClinVar variation 1981754 (VCV001981754.4), dbSNP rs1597834766, ClinGen allele CA399010284.

ClinVar aggregate classification (germline): Uncertain significance (1 of 4 stars; one submission).

Conditions:
Neurofibromatosis, type 1 (NF1). Also called: VON RECKLINGHAUSEN DISEASE; Peripheral type neurofibromatosis; Neurofibromatosis, type I; NEUROFIBROMATOSIS, TYPE I, SOMATIC. Identifiers: Orphanet 636, MedGen C0027831, MONDO:0018975, OMIM 162200. Disease mechanism: loss of function.

Submission:

Labcorp Genetics (formerly Invitae), Labcorp
Classification: Uncertain significance for Neurofibromatosis, type 1. Last evaluated: 2022-01-28. Review status: criteria provided, single submitter. Criteria: Invitae Variant Classification Sherloc (09022015). Collection method: clinical testing. Allele origin: germline.
Comment: Advanced modeling of protein sequence and biophysical properties (such as structural, functional, and spatial information, amino acid conservation, physicochemical variation, residue mobility, and thermodynamic stability) performed at Invitae indicates that this missense variant is expected to disrupt NF1 protein function. In summary, the available evidence is currently insufficient to determine the role of this variant in disease. Therefore, it has been classified as a Variant of Uncertain Significance. This sequence change replaces isoleucine, which is neutral and non-polar, with threonine, which is neutral and polar, at codon 1879 of the NF1 protein (p.Ile1879Thr). This variant is not present in population databases (gnomAD no frequency). This variant has not been reported in the literature in individuals affected with NF1-related conditions.